The following is an entry in ClinVar:

NM_001999.4(FBN2):c.1288G>T (p.Ala430Ser)

Gene: FBN2 (fibrillin 2; minus strand). Cytogenetic location: 5q23.3.
Variant type: single nucleotide variant.
Coding change: c.1288G>T on transcript NM_001999.4 (MANE Select); coding-DNA position 1288, G replaced by T.
Protein change: p.Ala430Ser; replaces alanine 430 with serine.
Molecular consequence: missense variant.
Genome position (GRCh38, 1-based): chr5:128,393,312, C>A on the plus strand (G>T on the coding strand, the complement: FBN2 is on the minus strand). VCF-style: chr5-128393312-C-A. GRCh37 (hg19) VCF-style: chr5-127729005-C-A.
Other names: short protein forms A430S.
Identifiers: ClinVar variation 2805759 (VCV002805759.3), dbSNP rs2479437869, ClinGen allele CA360749857.
Genomic context (GRCh38, chr5:128,393,312, plus strand): 5'-CATTGCCATTGCCACTTGGGGCAAAGCCATTTCCCCCAGTGCCTCCAGGTCTGGAACCAG[C>A]ACTCCCTGGAATTCCTCCCATTGGAAGTCCATCCATGCAAAGTCTGCGATATTCCTCTAG-3'
Protein context (NP_001990.2, residues 420-440): GLPMGGIPGS[Ala430Ser]GSRPGGTGGN

ClinVar aggregate classification (germline): Uncertain significance (1 of 4 stars; one submission).

Conditions:
Congenital contractural arachnodactyly (CCA). Also called: Arthrogryposis, distal, type 9; BEALS SYNDROME; Beals-Hecht syndrome. Identifiers: Orphanet 115, MedGen C0220668, MONDO:0007363, OMIM 121050.

Submission:

Labcorp Genetics (formerly Invitae), Labcorp
Classification: Uncertain significance for Congenital contractural arachnodactyly. Last evaluated: 2024-08-30. Review status: criteria provided, single submitter. Criteria: Invitae Variant Classification Sherloc (09022015). Collection method: clinical testing. Allele origin: germline.
Comment: This sequence change replaces alanine, which is neutral and non-polar, with serine, which is neutral and polar, at codon 430 of the FBN2 protein (p.Ala430Ser). This variant is not present in population databases (gnomAD no frequency). This variant has not been reported in the literature in individuals affected with FBN2-related conditions. Invitae Evidence Modeling of protein sequence and biophysical properties (such as structural, functional, and spatial information, amino acid conservation, physicochemical variation, residue mobility, and thermodynamic stability) indicates that this missense variant is not expected to disrupt FBN2 protein function with a negative predictive value of 95%. In summary, the available evidence is currently insufficient to determine the role of this variant in disease. Therefore, it has been classified as a Variant of Uncertain Significance.